The following is an entry in ClinVar:

NM_002470.4(MYH3):c.5282C>A (p.Thr1761Lys)

Gene: MYH3 (myosin heavy chain 3; minus strand). Cytogenetic location: 17p13.1.
Variant type: single nucleotide variant.
Coding change: c.5282C>A on transcript NM_002470.4 (MANE Select); coding-DNA position 5282, C replaced by A.
Protein change: p.Thr1761Lys; replaces threonine 1761 with lysine.
Molecular consequence: missense variant.
Genome position (GRCh38, 1-based): chr17:10,631,615, G>T on the plus strand (C>A on the coding strand, the complement: MYH3 is on the minus strand). VCF-style: chr17-10631615-G-T. GRCh37 (hg19) VCF-style: chr17-10534932-G-T.
Other names: short protein forms T1761K.
Identifiers: ClinVar variation 2197013 (VCV002197013.4), dbSNP rs201596402, ClinGen allele CA8391996.

ClinVar aggregate classification (germline): Uncertain significance (1 of 4 stars; one submission).

Allele frequency attached by ClinVar (database versions not stated): 1000 Genomes Project 0.00040; 1000 Genomes Project 30x 0.00047.
gnomAD v4.1: 15 of 1,614,174 alleles (0.00093%); highest among the groups gnomAD compares: African/African-American, 0.017%; no homozygotes.

Submission:

Labcorp Genetics (formerly Invitae), Labcorp
Classification: Uncertain significance. Last evaluated: 2025-06-10. Review status: criteria provided, single submitter. Criteria: Invitae Variant Classification Sherloc (09022015). Collection method: clinical testing. Allele origin: germline.
Comment: This sequence change replaces threonine, which is neutral and polar, with lysine, which is basic and polar, at codon 1761 of the MYH3 protein (p.Thr1761Lys). This variant is present in population databases (rs201596402, gnomAD 0.03%). This variant has not been reported in the literature in individuals affected with MYH3-related conditions. ClinVar contains an entry for this variant (Variation ID: 2197013). Invitae Evidence Modeling of protein sequence and biophysical properties (such as structural, functional, and spatial information, amino acid conservation, physicochemical variation, residue mobility, and thermodynamic stability) indicates that this missense variant is not expected to disrupt MYH3 protein function with a negative predictive value of 95%. In summary, the available evidence is currently insufficient to determine the role of this variant in disease. Therefore, it has been classified as a Variant of Uncertain Significance.